The following is an entry in ClinVar:

ClinVar aggregate classification (germline): Uncertain significance (1 of 4 stars; one submission).

Conditions:
Cardiovascular phenotype. Identifiers: MedGen CN230736.

Submission:

Ambry Genetics
Classification: Uncertain significance for Cardiovascular phenotype. Last evaluated: 2022-05-21. Review status: criteria provided, single submitter. Criteria: Ambry Variant Classification Scheme 2023. Collection method: clinical testing. Allele origin: germline.
Comment: The c.16011A>G variant (also known as p.K5337K), located in coding exon 61 of the TTN gene, results from an A to G substitution at nucleotide position 16011. This nucleotide substitution does not change the lysine at codon 5337. This nucleotide position is highly conserved in available vertebrate species. In silico splice site analysis for this alteration is inconclusive. Since supporting evidence is limited at this time, the clinical significance of this alteration remains unclear.

NM_001267550.2(TTN):c.43206A>G (p.Lys14402=)

Gene: TTN (titin; minus strand). Cytogenetic location: 2q31.2.
Variant type: single nucleotide variant.
Coding change: c.43206A>G on transcript NM_001267550.2 (MANE Select); coding-DNA position 43206, A replaced by G.
Protein change: p.Lys14402=; no amino-acid change (lysine 14402 retained).
Molecular consequence: synonymous variant.
Genome position (GRCh38, 1-based): chr2:178,632,925, T>C on the plus strand (A>G on the coding strand, the complement: TTN is on the minus strand). VCF-style: chr2-178632925-T-C. GRCh37 (hg19) VCF-style: chr2-179497652-T-C.
Other names: c.38283A>G, p.Lys12761= (NM_001256850.1); c.16011A>G, p.Lys5337= (NM_003319.4); c.35502A>G, p.Lys11834= (NM_133378.4); c.16386A>G, p.Lys5462= (NM_133432.3); c.16587A>G, p.Lys5529= (NM_133437.4).
Identifiers: ClinVar variation 1776180 (VCV001776180.2), dbSNP rs2471485021, ClinGen allele CA430276860.